The following is an entry in ClinVar:

NM_177438.3(DICER1):c.1406C>T (p.Pro469Leu)

Gene: DICER1 (dicer 1, ribonuclease III; minus strand). Cytogenetic location: 14q32.13.
Variant type: single nucleotide variant.
Coding change: c.1406C>T on transcript NM_177438.3 (MANE Select); coding-DNA position 1406, C replaced by T.
Protein change: p.Pro469Leu; replaces proline 469 with leucine.
Molecular consequence: missense variant. On other transcripts: 5 prime UTR variant (1), non-coding transcript variant (6).
Genome position (GRCh38, 1-based): chr14:95,117,725, G>A on the plus strand (C>T on the coding strand, the complement: DICER1 is on the minus strand). VCF-style: chr14-95117725-G-A. GRCh37 (hg19) VCF-style: chr14-95584062-G-A.
Other names: c.1406C>T, p.Pro469Leu (NM_001195573.1, NM_001271282.3, NM_001291628.2 and 13 more transcripts); c.1124C>T, p.Pro375Leu (NM_001395686.1); c.1001C>T, p.Pro334Leu (NM_001395687.1, NM_001395688.1, NM_001395689.1 and 3 more transcripts); c.839C>T, p.Pro280Leu (NM_001395691.1); c.-163C>T (NM_001395697.1); short protein forms P469L, P280L, P334L, P375L.
Identifiers: ClinVar variation 2115947 (VCV002115947.7), dbSNP rs1892606718, ClinGen allele CA390885637.
Genomic context (GRCh38, chr14:95,117,725, plus strand): 5'-GGCTGATTCTTCCCAATGCCATGTCCAGTTATGAAATTGCTACTGATATAAGCCAGCTCT[G>A]GATCTTGTTTGCCAGCTTCCTTTATCAATCTAAGAAAATTATACACATTTGGAAGTTAAA-3'
Protein context (NP_803187.1, residues 459-479): RLIKEAGKQD[Pro469Leu]ELAYISSNFI

ClinVar aggregate classification (germline): Uncertain significance. Review status: criteria provided, multiple submitters, no conflicts (2 of 4 stars). 2 submissions from 2 submitters: Uncertain significance (2). Last evaluated 2025-07-18.

Conditions:
Hereditary cancer-predisposing syndrome. Also called: Tumor predisposition; Hereditary Cancer Syndrome; Neoplastic Syndromes, Hereditary; Hereditary neoplastic syndrome. Identifiers: Orphanet 140162, MedGen C0027672, MeSH D009386, MONDO:0015356.
DICER1-related tumor predisposition. Also called: DICER1 syndrome; DICER1-related pleuropulmonary blastoma cancer predisposition syndrome. Identifiers: Orphanet 284343, MedGen C3839822, MONDO:0100216.

Allele frequency attached by ClinVar (database versions not stated): TOPMed below 0.00001.

Submissions (2):

Ambry Genetics
Classification: Uncertain significance for Hereditary cancer-predisposing syndrome. Last evaluated: 2025-07-18. Review status: criteria provided, single submitter. Criteria: Ambry Variant Classification Scheme 2023. Collection method: clinical testing. Allele origin: germline.
Comment: The p.P469L variant (also known as c.1406C>T), located in coding exon 8 of the DICER1 gene, results from a C to T substitution at nucleotide position 1406. The proline at codon 469 is replaced by leucine, an amino acid with similar properties. This amino acid position is highly conserved in available vertebrate species. In addition, the in silico prediction for this alteration is inconclusive. Based on the available evidence, the clinical significance of this variant remains unclear.

Labcorp Genetics (formerly Invitae), Labcorp
Classification: Uncertain significance for DICER1-related tumor predisposition. Last evaluated: 2022-03-23. Review status: criteria provided, single submitter. Criteria: Invitae Variant Classification Sherloc (09022015). Collection method: clinical testing. Allele origin: germline.
Comment: In summary, the available evidence is currently insufficient to determine the role of this variant in disease. Therefore, it has been classified as a Variant of Uncertain Significance. Algorithms developed to predict the effect of missense changes on protein structure and function (SIFT, PolyPhen-2, Align-GVGD) all suggest that this variant is likely to be disruptive. This variant has not been reported in the literature in individuals affected with DICER1-related conditions. This variant is not present in population databases (gnomAD no frequency). This sequence change replaces proline, which is neutral and non-polar, with leucine, which is neutral and non-polar, at codon 469 of the DICER1 protein (p.Pro469Leu).